The following is an entry in ClinVar:

NC_000009.12:g.35658022_35658023insTCTCAGCTTCACAGAGTAGTAT

Gene: RMRP (RNA component of mitochondrial RNA processing endoribonuclease; minus strand). Cytogenetic location: 9p13.3.
Variant type: Insertion.
Genome position: GRCh38 VCF-style: chr9-35658021-G-GTTCTCAGCTTCACAGAGTAGTA. GRCh37 (hg19) VCF-style: chr9-35658018-G-GTTCTCAGCTTCACAGAGTAGTA.
Identifiers: ClinVar variation 1067134 (VCV001067134.7), dbSNP rs1408633343, ClinGen allele CA1846127683.

ClinVar aggregate classification (germline): Pathogenic (1 of 4 stars; one submission).

Conditions:
Anauxetic dysplasia. Identifiers: Orphanet 93347, MedGen C1846796, MONDO:0011773.

Submission:

Labcorp Genetics (formerly Invitae), Labcorp
Classification: Pathogenic for Anauxetic dysplasia. Last evaluated: 2025-11-03. Review status: criteria provided, single submitter. Criteria: Invitae Variant Classification Sherloc (09022015). Collection method: clinical testing. Allele origin: germline.
Comment: This variant occurs in the RMRP gene, which encodes an RNA molecule that does not result in a protein product. This variant is not present in population databases (gnomAD no frequency). While this particular variant has not been reported in the literature, it is located in the promoter region between the TATA box and the transcription initiation site, and other insertions and duplications immediately upstream of the coding sequence have been reported in individuals affected with cartilage-hair hypoplasia-anauxetic dysplasia (CHH-AD) spectrum disorders (PMID: 16244706, 11207361, 12107819). While functional studies for this variant have not been reported, experimental analyses using patient derived cells, as well as in vitro transfection studies, have shown that promoter insertions result in silencing of RMRP transcription and reduced expression of the gene product (PMID: 11207361, 16254002). For these reasons, this variant has been classified as Pathogenic.

Literature cited by the submitters: PubMed 16244706; PubMed 11207361; PubMed 12107819; PubMed 16254002.